The following is an entry in ClinVar:

NM_000321.3(RB1):c.2149_2156del (p.Asn716_Ile717insTer)

Gene: RB1 (RB transcriptional corepressor 1; plus strand). Cytogenetic location: 13q14.2.
Variant type: Deletion.
Coding change: c.2149_2156del on transcript NM_000321.3 (MANE Select); coding-DNA positions 2149 to 2156, 8 bases deleted (ATAGACCT; older notation c.2149_2156delATAGACCT).
Protein change: p.Asn716_Ile717insTer.
Molecular consequence: nonsense.
Genome position (GRCh38, 1-based): chr13:48,463,773-48,463,780, ATAGACCT deleted; deleting any 8 consecutive bases within chr13:48,463,772-48,463,780 gives the same sequence; the c. name uses the placement nearest the transcript's 3' end. VCF-style (leftmost placement, unchanged base first): chr13-48463771-ATATAGACC-A. GRCh37 (hg19) VCF-style: chr13-49037907-ATATAGACC-A.
Other names: c.2149_2156del, p.Asn716_Ile717insTer (NM_001407165.1).
Identifiers: ClinVar variation 3943369 (VCV003943369.1).

ClinVar aggregate classification (germline): Pathogenic (1 of 4 stars; one submission).

Conditions:
Hereditary cancer-predisposing syndrome. Also called: Tumor predisposition; Hereditary neoplastic syndrome; Hereditary Cancer Syndrome; Neoplastic Syndromes, Hereditary. Identifiers: Orphanet 140162, MedGen C0027672, MeSH D009386, MONDO:0015356.

Submission:

Ambry Genetics
Classification: Pathogenic for Hereditary cancer-predisposing syndrome. Last evaluated: 2025-06-07. Review status: criteria provided, single submitter. Criteria: Ambry Variant Classification Scheme 2023. Collection method: clinical testing. Allele origin: germline.
Comment: The c.2149_2156delATAGACCT pathogenic mutation, located in coding exon 21 of the RB1 gene, results from a deletion of 8 nucleotides at nucleotide positions 2149 to 2156, causing a translational frameshift with a predicted alternate stop codon (p.I717*). This variant was reported in individual(s) with features consistent with RB1-related hereditary retinoblastoma (Ambry internal data). This variant is considered to be rare based on population cohorts in the Genome Aggregation Database (gnomAD). This alteration is expected to result in loss of function by premature protein truncation or nonsense-mediated mRNA decay. As such, this alteration is interpreted as a disease-causing mutation.